The following is an entry in ClinVar:

ClinVar aggregate classification (germline): Likely benign (0 of 4 stars; one submission).

Conditions:
UNC79-related disorder. Also called: UNC79-related condition.

gnomAD v4.1: 26 of 1,614,192 alleles (0.0016%); highest among the groups gnomAD compares: African/African-American, 0.028%; no homozygotes.

Submission:

PreventionGenetics, part of Exact Sciences
Classification: Likely benign for UNC79-related condition. Last evaluated: 2024-04-02. Review status: no assertion criteria provided. Collection method: clinical testing. Allele origin: germline.
Comment: This variant is classified as likely benign based on ACMG/AMP sequence variant interpretation guidelines (Richards et al. 2015 PMID: 25741868, with internal and published modifications).

NM_001395159.1(UNC79):c.4026G>A (p.Gln1342=)

Gene: UNC79 (unc-79 homolog, NALCN channel complex subunit; plus strand). Cytogenetic location: 14q32.12.
Variant type: single nucleotide variant.
Coding change: c.4026G>A on transcript NM_001395159.1 (MANE Select); coding-DNA position 4026, G replaced by A.
Protein change: p.Gln1342=; no amino-acid change (glutamine 1342 retained).
Molecular consequence: synonymous variant.
Genome position (GRCh38, 1-based): chr14:93,613,002, G>A. VCF-style: chr14-93613002-G-A. GRCh37 (hg19) VCF-style: chr14-94079348-G-A.
Other names: c.3960G>A, p.Gln1320= (NM_001346218.2); c.3429G>A, p.Gln1143= (NM_020818.5).
Identifiers: ClinVar variation 3351389 (VCV003351389.1).